The following is an entry in ClinVar:

ClinVar aggregate classification (germline): Uncertain significance (1 of 4 stars; one submission).

Conditions:
Hereditary nonpolyposis colorectal neoplasms. Identifiers: MedGen C0009405, MeSH D003123.

Submission:

Labcorp Genetics (formerly Invitae), Labcorp
Classification: Uncertain significance for Hereditary nonpolyposis colorectal neoplasms. Last evaluated: 2022-03-07. Review status: criteria provided, single submitter. Criteria: Invitae Variant Classification Sherloc (09022015). Collection method: clinical testing. Allele origin: germline.
Comment: In summary, the available evidence is currently insufficient to determine the role of this variant in disease. Therefore, it has been classified as a Variant of Uncertain Significance. Advanced modeling of protein sequence and biophysical properties (such as structural, functional, and spatial information, amino acid conservation, physicochemical variation, residue mobility, and thermodynamic stability) performed at Invitae indicates that this missense variant is not expected to disrupt PMS2 protein function. This variant has not been reported in the literature in individuals affected with PMS2-related conditions. This variant is not present in population databases (gnomAD no frequency). This sequence change replaces isoleucine, which is neutral and non-polar, with valine, which is neutral and non-polar, at codon 629 of the PMS2 protein (p.Ile629Val).

NM_000535.7(PMS2):c.1885A>G (p.Ile629Val)

Gene: PMS2 (PMS1 homolog 2, mismatch repair system component; minus strand). Cytogenetic location: 7p22.1.
Variant type: single nucleotide variant.
Coding change: c.1885A>G on transcript NM_000535.7 (MANE Select); coding-DNA position 1885, A replaced by G.
Protein change: p.Ile629Val; replaces isoleucine 629 with valine.
Molecular consequence: missense variant. On other transcripts: non-coding transcript variant (1).
Genome position (GRCh38, 1-based): chr7:5,986,880, T>C on the plus strand (A>G on the coding strand, the complement: PMS2 is on the minus strand). VCF-style: chr7-5986880-T-C. GRCh37 (hg19) VCF-style: chr7-6026511-T-C.
Other names: c.1480A>G, p.Ile494Val (NM_001322003.2, NM_001322004.2, NM_001322005.2 and 1 more transcripts); c.1729A>G, p.Ile577Val (NM_001322006.2); c.1567A>G, p.Ile523Val (NM_001322007.2, NM_001322008.2); c.1324A>G, p.Ile442Val (NM_001322010.2); c.952A>G, p.Ile318Val (NM_001322011.2, NM_001322012.2); c.1312A>G, p.Ile438Val (NM_001322013.2); c.1885A>G, p.Ile629Val (NM_001322014.2); c.1576A>G, p.Ile526Val (NM_001322015.2); short protein forms I523V, I318V, I494V, I526V, I438V, I442V, I577V, I629V.
Identifiers: ClinVar variation 1366795 (VCV001366795.8), dbSNP rs63751209, ClinGen allele CA366739430.